The following is an entry in ClinVar:

NM_017617.5(NOTCH1):c.5384+14G>A

Gene: NOTCH1 (notch receptor 1; minus strand). Cytogenetic location: 9q34.3.
Variant type: single nucleotide variant.
Coding change: c.5384+14G>A on transcript NM_017617.5 (MANE Select); 14 bases into the intron after coding-DNA position 5384, G replaced by A.
Molecular consequence: intron variant.
Genome position (GRCh38, 1-based): chr9:136,502,258, C>T on the plus strand (G>A on the coding strand, the complement: NOTCH1 is on the minus strand). VCF-style: chr9-136502258-C-T. GRCh37 (hg19) VCF-style: chr9-139396710-C-T.
Other names: c.5384+14G>A (LRG_1122t1).
Identifiers: ClinVar variation 508765 (VCV000508765.11), dbSNP rs755122664, ClinGen allele CA5340319.

ClinVar aggregate classification (germline): Benign/Likely benign. Review status: criteria provided, multiple submitters, no conflicts (2 of 4 stars). 6 submissions from 5 submitters: Benign (1); Likely benign (5). Last evaluated 2026-01-12.

Conditions:
Adams-Oliver syndrome 5 (AOS5). Identifiers: Orphanet 974, MedGen C4014970, MONDO:0014459, OMIM 616028.
Aortic valve disease 1 (AOVD1). Identifiers: MedGen C3887892, MONDO:0024523, OMIM 109730.

Allele frequency attached by ClinVar (database versions not stated): ExAC 0.00012; gnomAD exomes 0.00012 and 0.00022; TOPMed 0.00014; gnomAD 0.00018 and 0.00019.
gnomAD v4.1: 346 of 1,607,360 alleles (0.022%); highest among the groups gnomAD compares: East Asian, 0.038%; 1 homozygote.

Submissions (6):

Labcorp Genetics (formerly Invitae), Labcorp
Classification: Likely benign for Adams-Oliver syndrome 5. Last evaluated: 2026-01-12. Review status: criteria provided, single submitter. Criteria: Invitae Variant Classification Sherloc (09022015). Collection method: clinical testing. Allele origin: germline.

Blueprint Genetics
Classification: Likely benign. Last evaluated: 2024-10-21. Review status: criteria provided, single submitter. Criteria: ACMG Guidelines, 2015. Collection method: clinical testing. Allele origin: germline.

Women's Health and Genetics/Laboratory Corporation of America, LabCorp
Classification: Benign. Last evaluated: 2023-12-18. Review status: criteria provided, single submitter. Criteria: LabCorp Variant Classification Summary - May 2015. Collection method: clinical testing. Allele origin: germline.
Comment: Variant summary: NOTCH1 c.5384+14G>A alters a non-conserved nucleotide located at a position not widely known to affect splicing. Consensus agreement among computation tools predict no significant impact on normal splicing. However, these predictions have yet to be confirmed by functional studies. The variant allele was found at a frequency of 0.00012 in 234460 control chromosomes. The observed variant frequency is approximately 184.25 fold of the estimated maximal expected allele frequency for a pathogenic variant in NOTCH1 causing Adams-Oliver Syndrome 5 phenotype (6.3e-07), strongly suggesting that the variant is benign. To our knowledge, no occurrence of c.5384+14G>A in individuals affected with Adams-Oliver Syndrome 5 and no experimental evidence demonstrating its impact on protein function have been reported. Three submitters have cited clinical-significance assessments for this variant to ClinVar after 2014. All submitters classified the variant as benign/likely benign. Based on the evidence outlined above, the variant was classified as benign.

Genome-Nilou Lab
Classification: Likely benign for Adams-Oliver syndrome 5. Last evaluated: 2022-03-15. Review status: criteria provided, single submitter. Criteria: ACMG Guidelines, 2015. Collection method: clinical testing. Allele origin: germline. Affected: no.

Genome-Nilou Lab
Classification: Likely benign for Aortic valve disease 1. Last evaluated: 2022-03-15. Review status: criteria provided, single submitter. Criteria: ACMG Guidelines, 2015. Collection method: clinical testing. Allele origin: germline. Affected: no.

GeneDx
Classification: Likely benign. Last evaluated: 2017-04-10. Review status: criteria provided, single submitter. Criteria: GeneDx Variant Classification (06012015). Collection method: clinical testing. Allele origin: germline. Affected: yes.
Comment: This variant is considered likely benign or benign based on one or more of the following criteria: it is a conservative change, it occurs at a poorly conserved position in the protein, it is predicted to be benign by multiple in silico algorithms, and/or has population frequency not consistent with disease.

Literature cited by the submitters: PubMed 24943832 (cited by Women's Health and Genetics/Laboratory Corporation of America, LabCorp); PubMed 16614245 (cited by Women's Health and Genetics/Laboratory Corporation of America, LabCorp); PubMed 21670202 (cited by Women's Health and Genetics/Laboratory Corporation of America, LabCorp); PubMed 22210878 (cited by Women's Health and Genetics/Laboratory Corporation of America, LabCorp); PubMed 19635999 (cited by Women's Health and Genetics/Laboratory Corporation of America, LabCorp); PubMed 26837699 (cited by Women's Health and Genetics/Laboratory Corporation of America, LabCorp); PubMed 23086750 (cited by Women's Health and Genetics/Laboratory Corporation of America, LabCorp); PubMed 19245433 (cited by Women's Health and Genetics/Laboratory Corporation of America, LabCorp); PubMed 22077063 (cited by Women's Health and Genetics/Laboratory Corporation of America, LabCorp); PubMed 15472075 (cited by Women's Health and Genetics/Laboratory Corporation of America, LabCorp); PubMed 23734977 (cited by Women's Health and Genetics/Laboratory Corporation of America, LabCorp); PubMed 22858860 (cited by Women's Health and Genetics/Laboratory Corporation of America, LabCorp).